The following is an entry in ClinVar:

ClinVar aggregate classification (germline): Benign/Likely benign. Review status: criteria provided, multiple submitters, no conflicts (2 of 4 stars). 4 submissions from 4 submitters: Benign (1); Likely benign (3). Last evaluated 2025-09-03.

Conditions:
Hereditary cancer-predisposing syndrome. Also called: Hereditary neoplastic syndrome; Hereditary Cancer Syndrome; Neoplastic Syndromes, Hereditary; Tumor predisposition. Identifiers: Orphanet 140162, MedGen C0027672, MeSH D009386, MONDO:0015356.
Familial adenomatous polyposis 1 (FAP1). Also called: FAMILIAL ADENOMATOUS POLYPOSIS 1, ATTENUATED; POLYPOSIS, ADENOMATOUS INTESTINAL. Identifiers: MedGen C2713442, MONDO:0021056, OMIM 175100. Disease mechanism: loss of function.

Submissions (4):

Color Diagnostics, LLC DBA Color Health
Classification: Likely benign for Hereditary cancer-predisposing syndrome. Last evaluated: 2025-09-03. Review status: criteria provided, single submitter. Criteria: ACMG Guidelines, 2015. Collection method: clinical testing. Allele origin: germline.

Myriad Genetics, Inc.
Classification: Benign for Familial adenomatous polyposis 1. Last evaluated: 2024-02-29. Review status: criteria provided, single submitter. Criteria: Myriad Autosomal Dominant, Autosomal Recessive and X-Linked Classification Criteria (2023). Collection method: clinical testing. Allele origin: unknown.
Comment: This variant is considered benign. This variant is a silent/synonymous amino acid change and it is not expected to impact splicing.

Ambry Genetics
Classification: Likely benign for Hereditary cancer-predisposing syndrome. Last evaluated: 2017-01-13. Review status: criteria provided, single submitter. Criteria: Ambry Variant Classification Scheme 2023. Collection method: clinical testing. Allele origin: germline.

Labcorp Genetics (formerly Invitae), Labcorp
Classification: Likely benign for Familial adenomatous polyposis 1. Last evaluated: 2016-03-24. Review status: criteria provided, single submitter. Criteria: Invitae Variant Classification Sherloc (09022015). Collection method: clinical testing. Allele origin: germline.

NM_000038.6(APC):c.1005A>C (p.Leu335=)

Gene: APC (APC regulator of Wnt signaling pathway; plus strand). Cytogenetic location: 5q22.2.
Variant type: single nucleotide variant.
Coding change: c.1005A>C on transcript NM_000038.6 (MANE Select); coding-DNA position 1005, A replaced by C.
Protein change: p.Leu335=; no amino-acid change (leucine 335 retained).
Molecular consequence: synonymous variant. On other transcripts: intron variant (4).
Genome position (GRCh38, 1-based): chr5:112,819,037, A>C. VCF-style: chr5-112819037-A-C. GRCh37 (hg19) VCF-style: chr5-112154734-A-C.
Other names: c.1005A>C, p.Leu335= (NM_001127510.3, NM_001354895.2, NM_001354896.2); c.951A>C, p.Leu317= (NM_001127511.3); c.1035A>C, p.Leu345= (NM_001354897.2); c.930A>C, p.Leu310= (NM_001354898.2); c.921A>C, p.Leu307= (NM_001354899.2); c.828A>C, p.Leu276= (NM_001354900.2, NM_001354901.2); c.156A>C, p.Leu52= (NM_001354906.2); c.964-232A>C (NM_001354902.2); and 3 more.
Identifiers: ClinVar variation 236556 (VCV000236556.16), dbSNP rs3797704, ClinGen allele CA10582285.